The following is an entry in ClinVar:

NM_014991.6(WDFY3):c.2128A>T (p.Ile710Phe)

Genes: WDFY3 (WD repeat and FYVE domain containing 3; minus strand), WDFY3-AS1 (WDFY3 antisense RNA 1; plus strand). Cytogenetic location: 4q21.23.
Variant type: single nucleotide variant.
Coding change: c.2128A>T on transcript NM_014991.6 (MANE Select); coding-DNA position 2128, A replaced by T.
Protein change: p.Ile710Phe; replaces isoleucine 710 with phenylalanine.
Molecular consequence: missense variant. On other transcripts: non-coding transcript variant (1).
Genome position (GRCh38, 1-based): chr4:84,810,104, T>A on the plus strand (A>T on the coding strand, the complement: WDFY3 is on the minus strand). VCF-style: chr4-84810104-T-A. GRCh37 (hg19) VCF-style: chr4-85731257-T-A.
Other names: short protein forms I710F.
Identifiers: ClinVar variation 1311937 (VCV001311937.2), dbSNP rs2149727932, ClinGen allele CA357568309.

ClinVar aggregate classification (germline): Uncertain significance (1 of 4 stars; one submission).

Submission:

GeneDx
Classification: Uncertain significance. Last evaluated: 2020-01-07. Review status: criteria provided, single submitter. Criteria: GeneDx Variant Classification Process June 2021. Collection method: clinical testing. Allele origin: germline. Affected: yes.
Comment: Not observed in large population cohorts (Lek et al., 2016); In silico analysis, which includes protein predictors and evolutionary conservation, supports a deleterious effect; Has not been previously published as pathogenic or benign to our knowledge